The following is an entry in ClinVar:

ClinVar aggregate classification (germline): Pathogenic/Likely pathogenic. Review status: criteria provided, multiple submitters, no conflicts (2 of 4 stars). 2 submissions from 2 submitters: Pathogenic (1); Likely pathogenic (1). Last evaluated 2025-07-23.

Conditions:
Filippi syndrome (FLPIS). Identifiers: Orphanet 3255, MedGen C0795940, MONDO:0010092, OMIM 272440.

Submissions (2):

Labcorp Genetics (formerly Invitae), Labcorp
Classification: Pathogenic. Last evaluated: 2025-07-23. Review status: criteria provided, single submitter. Criteria: Invitae Variant Classification Sherloc (09022015). Collection method: clinical testing. Allele origin: germline.
Comment: This sequence change creates a premature translational stop signal (p.Leu525Aspfs*14) in the CKAP2L gene. It is expected to result in an absent or disrupted protein product. Loss-of-function variants in CKAP2L are known to be pathogenic (PMID: 25439729). This variant is present in population databases (rs761365019, gnomAD 0.006%). This variant has not been reported in the literature in individuals affected with CKAP2L-related conditions. For these reasons, this variant has been classified as Pathogenic.

Juno Genomics, Hangzhou Juno Genomics, Inc
Classification: Likely pathogenic for Filippi syndrome. Review status: criteria provided, single submitter. Criteria: ACMG Guidelines, 2015. Collection method: clinical testing. Allele origin: germline.
Comment: Null variant in a gene where loss of function (LOF) is a known mechanism of disease.;Absent from controls (or at extremely low frequency if recessive) in Genome Aggregation Database.

Literature cited by the submitters: PubMed 25439729 (cited by Labcorp Genetics (formerly Invitae), Labcorp).

NM_152515.5(CKAP2L):c.1573_1574del (p.Leu525fs)

Gene: CKAP2L (cytoskeleton associated protein 2L; minus strand). Cytogenetic location: 2q14.1.
Variant type: Microsatellite.
Coding change: c.1573_1574del on transcript NM_152515.5 (MANE Select); coding-DNA positions 1573 to 1574, 2 bases deleted (CT; older notation c.1573_1574delCT).
Protein change: p.Leu525fs; shifts the reading frame from leucine 525.
Molecular consequence: frameshift variant. On other transcripts: non-coding transcript variant (1).
Genome position (GRCh38, 1-based): chr2:112,752,295-112,752,296, AG deleted on the plus strand (CT on the coding strand, the reverse complement: CKAP2L is on the minus strand); deleting any 2 consecutive bases within chr2:112,752,295-112,752,298 gives the same sequence; the c. name uses the placement nearest the transcript's 3' end. VCF-style (leftmost placement, unchanged base first): chr2-112752294-CAG-C. GRCh37 (hg19) VCF-style: chr2-113509871-CAG-C.
Other names: c.1078_1079del, p.Leu360fs (NM_001304361.2); short protein forms L360fs, L525fs.
Identifiers: ClinVar variation 4749713 (VCV004749713.3).